The following is an entry in ClinVar:

NM_001371727.1(GABRB2):c.1103A>G (p.Asn368Ser)

Gene: GABRB2 (gamma-aminobutyric acid type A receptor subunit beta2; minus strand). Cytogenetic location: 5q34.
Variant type: single nucleotide variant.
Coding change: c.1103A>G on transcript NM_001371727.1 (MANE Select); coding-DNA position 1103, A replaced by G.
Protein change: p.Asn368Ser; replaces asparagine 368 with serine.
Molecular consequence: missense variant. On other transcripts: intron variant (1).
Genome position (GRCh38, 1-based): chr5:161,326,456, T>C on the plus strand (A>G on the coding strand, the complement: GABRB2 is on the minus strand). VCF-style: chr5-161326456-T-C. GRCh37 (hg19) VCF-style: chr5-160753463-T-C.
Other names: c.1103A>G, p.Asn368Ser (NM_021911.3); c.1077+4427A>G (NM_000813.3); short protein forms N368S.
Identifiers: ClinVar variation 513369 (VCV000513369.9), dbSNP rs768489439, ClinGen allele CA3543408.

ClinVar aggregate classification (germline): Conflicting classifications of pathogenicity. Review status: criteria provided, conflicting classifications (1 of 4 stars). 2 submissions from 2 submitters: Uncertain significance (1); Likely benign (1). Last evaluated 2023-02-19.

Conditions:
Intellectual disability. Also called: Intellectual developmental disorder; Intellectual functioning disability; intellectual disabilities. Identifiers: MedGen C3714756, MeSH D008607, MONDO:0001071, HP:0001249.

Allele frequency attached by ClinVar (database versions not stated): ExAC 0.00002; gnomAD 0.00006; gnomAD exomes 0.00001 and 0.00002; TOPMed 0.00008.

Submissions (2):

Labcorp Genetics (formerly Invitae), Labcorp
Classification: Uncertain significance for Intellectual disability. Last evaluated: 2023-02-19. Review status: criteria provided, single submitter. Criteria: Invitae Variant Classification Sherloc (09022015). Collection method: clinical testing. Allele origin: germline.
Comment: In summary, the available evidence is currently insufficient to determine the role of this variant in disease. Therefore, it has been classified as a Variant of Uncertain Significance. Advanced modeling of protein sequence and biophysical properties (such as structural, functional, and spatial information, amino acid conservation, physicochemical variation, residue mobility, and thermodynamic stability) performed at Invitae indicates that this missense variant is not expected to disrupt GABRB2 protein function. ClinVar contains an entry for this variant (Variation ID: 513369). This variant has not been reported in the literature in individuals affected with GABRB2-related conditions. This variant is present in population databases (rs768489439, gnomAD 0.02%). This sequence change replaces asparagine, which is neutral and polar, with serine, which is neutral and polar, at codon 368 of the GABRB2 protein (p.Asn368Ser).

GeneDx
Classification: Likely benign. Last evaluated: 2017-11-14. Review status: criteria provided, single submitter. Criteria: GeneDx Variant Classification (06012015). Collection method: clinical testing. Allele origin: germline. Affected: yes.
Comment: This variant is considered likely benign or benign based on one or more of the following criteria: it is a conservative change, it occurs at a poorly conserved position in the protein, it is predicted to be benign by multiple in silico algorithms, and/or has population frequency not consistent with disease.